The following is an entry in ClinVar:

NM_001130144.3(LTBP3):c.1609C>T (p.Arg537Trp)

Gene: LTBP3 (latent transforming growth factor beta binding protein 3; minus strand). Cytogenetic location: 11q13.1.
Variant type: single nucleotide variant.
Coding change: c.1609C>T on transcript NM_001130144.3 (MANE Select); coding-DNA position 1609, C replaced by T.
Protein change: p.Arg537Trp; replaces arginine 537 with tryptophan.
Molecular consequence: missense variant.
Genome position (GRCh38, 1-based): chr11:65,551,414, G>A on the plus strand (C>T on the coding strand, the complement: LTBP3 is on the minus strand). VCF-style: chr11-65551414-G-A. GRCh37 (hg19) VCF-style: chr11-65318885-G-A.
Other names: c.1258C>T, p.Arg420Trp (NM_001164266.1); c.1609C>T, p.Arg537Trp (NM_021070.4); short protein forms R420W, R537W.
Identifiers: ClinVar variation 1364596 (VCV001364596.7), dbSNP rs753655134, ClinGen allele CA6100921.

ClinVar aggregate classification (germline): Uncertain significance (1 of 4 stars; one submission).

Conditions:
Brachyolmia-amelogenesis imperfecta syndrome. Also called: Tooth agenesis, selective, 6; Dental anomalies and short stature; PLATYSPONDYLY WITH AMELOGENESIS IMPERFECTA. Identifiers: Orphanet 2899, MedGen C1832594, MONDO:0011018, OMIM 601216. Disease mechanism: loss of function.

Allele frequency attached by ClinVar (database versions not stated): TOPMed below 0.00001.
gnomAD v4.1: 3 of 1,613,404 alleles (0.00019%); highest among the groups gnomAD compares: Non-Finnish European, 0.00025%; no homozygotes.

Submission:

Labcorp Genetics (formerly Invitae), Labcorp
Classification: Uncertain significance for Brachyolmia-amelogenesis imperfecta syndrome. Last evaluated: 2024-09-01. Review status: criteria provided, single submitter. Criteria: Invitae Variant Classification Sherloc (09022015). Collection method: clinical testing. Allele origin: germline.
Comment: This sequence change replaces arginine, which is basic and polar, with tryptophan, which is neutral and slightly polar, at codon 537 of the LTBP3 protein (p.Arg537Trp). This variant is not present in population databases (gnomAD no frequency). This variant has not been reported in the literature in individuals affected with LTBP3-related conditions. ClinVar contains an entry for this variant (Variation ID: 1364596). An algorithm developed to predict the effect of missense changes on protein structure and function (PolyPhen-2) suggests that this variant is likely to be disruptive. In summary, the available evidence is currently insufficient to determine the role of this variant in disease. Therefore, it has been classified as a Variant of Uncertain Significance.